The following is an entry in ClinVar:

NM_014727.3(KMT2B):c.6249G>A (p.Thr2083=)

Gene: KMT2B (lysine methyltransferase 2B; plus strand). Cytogenetic location: 19q13.12.
Variant type: single nucleotide variant.
Coding change: c.6249G>A on transcript NM_014727.3 (MANE Select); coding-DNA position 6249, G replaced by A.
Protein change: p.Thr2083=; no amino-acid change (threonine 2083 retained).
Molecular consequence: synonymous variant.
Genome position (GRCh38, 1-based): chr19:35,732,798, G>A. VCF-style: chr19-35732798-G-A. GRCh37 (hg19) VCF-style: chr19-36223699-G-A.
Identifiers: ClinVar variation 725996 (VCV000725996.46), dbSNP rs375564425, ClinGen allele CA9385645.

ClinVar aggregate classification (germline): Benign/Likely benign. Review status: criteria provided, multiple submitters, no conflicts (2 of 4 stars). 3 submissions from 3 submitters: Benign (1); Likely benign (2). Last evaluated 2026-04-01.

Conditions:
Dystonia 28, childhood-onset (DYT28). Also called: KMT2B-Related Dystonia (DYT-KMT2B). Identifiers: Orphanet 589618, MedGen C4310633, MONDO:0015004, OMIM 617284.

Allele frequency attached by ClinVar (database versions not stated): TOPMed 0.00032; 1000 Genomes Project 30x 0.00078.
gnomAD v4.1: 192 of 1,606,192 alleles (0.012%); highest among the groups gnomAD compares: East Asian, 0.33%; 2 homozygotes.

Submissions (3):

CeGaT Center for Human Genetics Tuebingen
Classification: Likely benign. Last evaluated: 2026-04-01. Review status: criteria provided, single submitter. Criteria: CeGaT Center For Human Genetics Tuebingen Variant Classification Criteria Version 2. Collection method: clinical testing. Allele origin: germline. Affected: yes. Observed: 2 variant alleles.
Comment: KMT2B: BP4, BP7

Labcorp Genetics (formerly Invitae), Labcorp
Classification: Benign. Last evaluated: 2026-01-21. Review status: criteria provided, single submitter. Criteria: Invitae Variant Classification Sherloc (09022015). Collection method: clinical testing. Allele origin: germline.

Fulgent Genetics
Classification: Likely benign for Dystonia 28, childhood-onset. Last evaluated: 2022-02-25. Review status: criteria provided, single submitter. Criteria: ACMG Guidelines, 2015. Collection method: clinical testing. Allele origin: unknown.